The following is an entry in ClinVar:

ClinVar aggregate classification (germline): Uncertain significance (1 of 4 stars; one submission).

Allele frequency attached by ClinVar (database versions not stated): gnomAD exomes below 0.00001.
gnomAD v4.1: 1 of 1,611,964 alleles (0.000062%); highest among the groups gnomAD compares: Non-Finnish European, 0.000085%; no homozygotes.

Submission:

Labcorp Genetics (formerly Invitae), Labcorp
Classification: Uncertain significance. Last evaluated: 2021-07-01. Review status: criteria provided, single submitter. Criteria: Invitae Variant Classification Sherloc (09022015). Collection method: clinical testing. Allele origin: germline.
Comment: Algorithms developed to predict the effect of missense changes on protein structure and function (SIFT, PolyPhen-2, Align-GVGD) all suggest that this variant is likely to be tolerated, but these predictions have not been confirmed by published functional studies and their clinical significance is uncertain. In summary, the available evidence is currently insufficient to determine the role of this variant in disease. Therefore, it has been classified as a Variant of Uncertain Significance. This variant has not been reported in the literature in individuals with LOXL3-related conditions. This sequence change replaces threonine with isoleucine at codon 89 of the LOXL3 protein (p.Thr89Ile). The threonine residue is moderately conserved and there is a moderate physicochemical difference between threonine and isoleucine. This variant is not present in population databases (ExAC no frequency).

NM_032603.5(LOXL3):c.266C>T (p.Thr89Ile)

Genes: DOK1 (docking protein 1; plus strand), LOXL3 (lysyl oxidase like 3; minus strand). Cytogenetic location: 2p13.1.
Variant type: single nucleotide variant.
Coding change: c.266C>T on transcript NM_032603.5 (MANE Select); coding-DNA position 266, C replaced by T.
Protein change: p.Thr89Ile; replaces threonine 89 with isoleucine.
Molecular consequence: missense variant. On other transcripts: intron variant (1).
Genome position (GRCh38, 1-based): chr2:74,552,369, G>A on the plus strand (C>T on the coding strand, the complement: LOXL3 is on the minus strand). VCF-style: chr2-74552369-G-A. GRCh37 (hg19) VCF-style: chr2-74779496-G-A.
Other names: c.266C>T, p.Thr89Ile (NM_001289164.3); c.-357-2785G>A (NM_001197260.2); short protein forms T89I.
Identifiers: ClinVar variation 1388500 (VCV001388500.8), dbSNP rs2104452703, ClinGen allele CA347396898.